The following is an entry in ClinVar:

ClinVar aggregate classification (germline): Pathogenic. Review status: criteria provided, multiple submitters, no conflicts (2 of 4 stars). 2 submissions from 2 submitters: Pathogenic (2). Last evaluated 2020-11-04.

Conditions:
Gorlin syndrome. Also called: Basal cell nevus syndrome; Nevoid Basal Cell Carcinoma Syndrome. Identifiers: Orphanet 377, MedGen C0004779, MONDO:0007187.

Submissions (2):

GeneDx
Classification: Pathogenic. Last evaluated: 2020-11-04. Review status: criteria provided, single submitter. Criteria: GeneDx Variant Classification Process June 2021. Collection method: clinical testing. Allele origin: germline. Affected: yes.
Comment: Nonsense variant predicted to result in protein truncation or nonsense mediated decay in a gene for which loss-of-function is a known mechanism of disease; Not observed in large population cohorts (Lek et al., 2016); Has not been previously published as pathogenic or benign to our knowledge

Labcorp Genetics (formerly Invitae), Labcorp
Classification: Pathogenic for Gorlin syndrome. Last evaluated: 2019-11-07. Review status: criteria provided, single submitter. Criteria: Invitae Variant Classification Sherloc (09022015). Collection method: clinical testing. Allele origin: germline.
Comment: This sequence change creates a premature translational stop signal (p.Gln901*) in the PTCH1 gene. It is expected to result in an absent or disrupted protein product. This variant is not present in population databases (ExAC no frequency). This variant has not been reported in the literature in individuals with PTCH1-related conditions. ClinVar contains an entry for this variant (Variation ID: 423765). Loss-of-function variants in PTCH1 are known to be pathogenic (PMID: 16301862, 16419085). For these reasons, this variant has been classified as Pathogenic.

Literature cited by the submitters: PubMed 16301862 (cited by Labcorp Genetics (formerly Invitae), Labcorp); PubMed 16419085 (cited by Labcorp Genetics (formerly Invitae), Labcorp).

NM_000264.5(PTCH1):c.2701C>T (p.Gln901Ter)

Gene: PTCH1 (patched 1; minus strand). Cytogenetic location: 9q22.32.
Variant type: single nucleotide variant.
Coding change: c.2701C>T on transcript NM_000264.5 (MANE Select); coding-DNA position 2701, C replaced by T.
Protein change: p.Gln901Ter; replaces glutamine 901 with a stop codon.
Molecular consequence: nonsense. On other transcripts: non-coding transcript variant (1).
Genome position (GRCh38, 1-based): chr9:95,461,858, G>A on the plus strand (C>T on the coding strand, the complement: PTCH1 is on the minus strand). VCF-style: chr9-95461858-G-A. GRCh37 (hg19) VCF-style: chr9-98224140-G-A.
Other names: c.2503C>T, p.Gln835Ter (NM_001083602.3); c.2698C>T, p.Gln900Ter (NM_001083603.3); c.2248C>T, p.Gln750Ter (NM_001083604.3, NM_001083605.3, NM_001083606.3 and 1 more transcripts); c.2545C>T, p.Gln849Ter (NM_001354918.2); short protein forms Q835*, Q901*, Q849*, Q900*, Q750*.
Identifiers: ClinVar variation 423765 (VCV000423765.11), dbSNP rs1064796618, ClinGen allele CA16618904.